The following is an entry in ClinVar:

NM_001377137.1(GBF1):c.4470G>A (p.Thr1490=)

Gene: GBF1 (golgi brefeldin A resistant guanine nucleotide exchange factor 1; plus strand). Cytogenetic location: 10q24.32.
Variant type: single nucleotide variant.
Coding change: c.4470G>A on transcript NM_001377137.1 (MANE Select); coding-DNA position 4470, G replaced by A.
Protein change: p.Thr1490=; no amino-acid change (threonine 1490 retained).
Molecular consequence: synonymous variant. On other transcripts: non-coding transcript variant (5).
Genome position (GRCh38, 1-based): chr10:102,377,116, G>A. VCF-style: chr10-102377116-G-A. GRCh37 (hg19) VCF-style: chr10-104136873-G-A.
Other names: p.Thr1489=; c.4470G>A, p.Thr1490= (NM_001199378.2, NM_001391923.1); c.4467G>A, p.Thr1489= (NM_001199379.2, NM_001377141.1, NM_001391924.1 and 3 more transcripts); c.4431G>A, p.Thr1477= (NM_001377138.1, NM_001391925.1); c.4173G>A, p.Thr1391= (NM_001377139.1, NM_001377140.1); c.4566G>A, p.Thr1522= (NM_001391922.1); c.4434G>A, p.Thr1478= (NM_001391926.1); c.4326G>A, p.Thr1442= (NM_001391928.1); and 2 more.
Identifiers: ClinVar variation 774561 (VCV000774561.5), dbSNP rs75319510, ClinGen allele CA5664054.

ClinVar aggregate classification (germline): Benign. Review status: criteria provided, multiple submitters, no conflicts (2 of 4 stars). 3 submissions from 3 submitters: Benign (3). Last evaluated 2023-03-15.

Allele frequency attached by ClinVar (database versions not stated): 1000 Genomes Project 0.01458; gnomAD exomes 0.00121 and 0.00326; 1000 Genomes Project 30x 0.01577; ExAC 0.00393; gnomAD 0.01232 and 0.01310; TOPMed 0.01406; ESP Exome Variant Server 0.01430.
gnomAD v4.1: 3,718 of 1,613,916 alleles (0.23%); highest among the groups gnomAD compares: African/African-American, 4.4%; 77 homozygotes.

Submissions (3):

Mayo Clinic Laboratories, Mayo Clinic
Classification: Benign. Last evaluated: 2023-03-15. Review status: criteria provided, single submitter. Criteria: ACMG Guidelines, 2015. Collection method: clinical testing. Allele origin: germline. Observed: 4 variant alleles.
Comment: BS1, BS2, BP4, BP7

Labcorp Genetics (formerly Invitae), Labcorp
Classification: Benign. Last evaluated: 2018-04-04. Review status: criteria provided, single submitter. Criteria: Invitae Variant Classification Sherloc (09022015). Collection method: clinical testing. Allele origin: germline.

Breakthrough Genomics
Classification: Benign. Review status: criteria provided, single submitter. Criteria: ACMG Guidelines, 2015. Collection method: not provided. Allele origin: germline. Inheritance: Autosomal dominant inheritance. Affected: yes.